The following is an entry in ClinVar:

ClinVar aggregate classification (germline): Uncertain significance. Review status: criteria provided, multiple submitters, no conflicts (2 of 4 stars). 2 submissions from 2 submitters: Uncertain significance (2). Last evaluated 2025-03-16.

Conditions:
Inborn genetic diseases. Identifiers: MedGen C0950123, MeSH D030342.

Allele frequency attached by ClinVar (database versions not stated): gnomAD exomes below 0.00001; TOPMed below 0.00001.
gnomAD v4.1: 7 of 1,614,192 alleles (0.00043%); highest among the groups gnomAD compares: Non-Finnish European, 0.00059%; no homozygotes.

Submissions (2):

Ambry Genetics
Classification: Uncertain significance for Inborn genetic diseases. Last evaluated: 2025-03-16. Review status: criteria provided, single submitter. Criteria: Ambry Variant Classification Scheme 2023. Collection method: clinical testing. Allele origin: germline.

Labcorp Genetics (formerly Invitae), Labcorp
Classification: Uncertain significance. Last evaluated: 2023-10-04. Review status: criteria provided, single submitter. Criteria: Invitae Variant Classification Sherloc (09022015). Collection method: clinical testing. Allele origin: germline.
Comment: This sequence change replaces arginine, which is basic and polar, with lysine, which is basic and polar, at codon 2788 of the TRRAP protein (p.Arg2788Lys). This variant is not present in population databases (gnomAD no frequency). This variant has not been reported in the literature in individuals affected with TRRAP-related conditions. Advanced modeling of protein sequence and biophysical properties (such as structural, functional, and spatial information, amino acid conservation, physicochemical variation, residue mobility, and thermodynamic stability) performed at Invitae indicates that this missense variant is not expected to disrupt TRRAP protein function. In summary, the available evidence is currently insufficient to determine the role of this variant in disease. Therefore, it has been classified as a Variant of Uncertain Significance.

NM_001375524.1(TRRAP):c.8438G>A (p.Arg2813Lys)

Gene: TRRAP (transformation/transcription domain associated protein; plus strand). Cytogenetic location: 7q22.1.
Variant type: single nucleotide variant.
Coding change: c.8438G>A on transcript NM_001375524.1 (MANE Select); coding-DNA position 8438, G replaced by A.
Protein change: p.Arg2813Lys; replaces arginine 2813 with lysine.
Molecular consequence: missense variant.
Genome position (GRCh38, 1-based): chr7:98,978,263, G>A. VCF-style: chr7-98978263-G-A. GRCh37 (hg19) VCF-style: chr7-98575886-G-A.
Other names: c.8417G>A (NM_001244580.1); c.8417G>A, p.Arg2806Lys (NM_001244580.2); c.8363G>A, p.Arg2788Lys (NM_003496.4); short protein forms R2788K, R2813K, R2806K.
Identifiers: ClinVar variation 2878964 (VCV002878964.4), dbSNP rs1792760486, ClinGen allele CA368306343.